The following is an entry in ClinVar:

ClinVar aggregate classification (germline): Uncertain significance (1 of 4 stars; one submission).

Conditions:
Familial thoracic aortic aneurysm and aortic dissection (TAAD). Also called: Thoracic aortic aneurysms and dissections. Identifiers: Orphanet 91387, MedGen C4707243, MONDO:0019625.

Allele frequency attached by ClinVar (database versions not stated): gnomAD exomes below 0.00001.
gnomAD v4.1: 5 of 1,614,056 alleles (0.00031%); highest among the groups gnomAD compares: Non-Finnish European, 0.00042%; no homozygotes.

Submission:

Color Diagnostics, LLC DBA Color Health
Classification: Uncertain significance for Familial thoracic aortic aneurysm and aortic dissection. Last evaluated: 2023-05-16. Review status: criteria provided, single submitter. Criteria: ACMG Guidelines, 2015. Collection method: clinical testing. Allele origin: germline.
Comment: This missense variant replaces arginine with glycine at codon 1064 of the COL3A1 protein. Computational prediction suggests that this variant may have deleterious impact on protein structure and function (internally defined REVEL score threshold >= 0.7, PMID: 27666373). To our knowledge, functional studies have not been reported for this variant. This variant has not been reported in individuals affected with COL3A1-related disorders in the literature. This variant has not been identified in the general population by the Genome Aggregation Database (gnomAD). The available evidence is insufficient to determine the role of this variant in disease conclusively. Therefore, this variant is classified as a Variant of Uncertain Significance.

NM_000090.4(COL3A1):c.3190A>G (p.Arg1064Gly)

Gene: COL3A1 (collagen type III alpha 1 chain; plus strand). Cytogenetic location: 2q32.2.
Variant type: single nucleotide variant.
Coding change: c.3190A>G on transcript NM_000090.4 (MANE Select); coding-DNA position 3190, A replaced by G.
Protein change: p.Arg1064Gly; replaces arginine 1064 with glycine.
Molecular consequence: missense variant.
Genome position (GRCh38, 1-based): chr2:189,006,441, A>G. VCF-style: chr2-189006441-A-G. GRCh37 (hg19) VCF-style: chr2-189871167-A-G.
Other names: short protein forms R1064G.
Identifiers: ClinVar variation 2775141 (VCV002775141.2), dbSNP rs1688588166, ClinGen allele CA349845190.